The following is an entry in ClinVar:

NM_005189.3(CBX2):c.785G>A (p.Arg262Gln)

Gene: CBX2 (chromobox 2; plus strand). Cytogenetic location: 17q25.3.
Variant type: single nucleotide variant.
Coding change: c.785G>A on transcript NM_005189.3 (MANE Select); coding-DNA position 785, G replaced by A.
Protein change: p.Arg262Gln; replaces arginine 262 with glutamine.
Molecular consequence: missense variant.
Genome position (GRCh38, 1-based): chr17:79,784,228, G>A. VCF-style: chr17-79784228-G-A. GRCh37 (hg19) VCF-style: chr17-77758027-G-A.
Other names: short protein forms R262Q.
Identifiers: ClinVar variation 2742100 (VCV002742100.3), dbSNP rs150844968, ClinGen allele CA8811328.

ClinVar aggregate classification (germline): Uncertain significance (1 of 4 stars; one submission).

Allele frequency attached by ClinVar (database versions not stated): gnomAD exomes 0.00004; ExAC 0.00009; ESP Exome Variant Server 0.00015; gnomAD 0.00017; TOPMed 0.00017.
gnomAD v4.1: 100 of 1,612,838 alleles (0.0062%); highest among the groups gnomAD compares: African/African-American, 0.053%; 1 homozygote.

Submission:

Labcorp Genetics (formerly Invitae), Labcorp
Classification: Uncertain significance. Last evaluated: 2024-01-12. Review status: criteria provided, single submitter. Criteria: Invitae Variant Classification Sherloc (09022015). Collection method: clinical testing. Allele origin: germline.
Comment: This sequence change replaces arginine, which is basic and polar, with glutamine, which is neutral and polar, at codon 262 of the CBX2 protein (p.Arg262Gln). This variant is present in population databases (rs150844968, gnomAD 0.03%). This missense change has been observed in individual(s) with disorders of sex development (PMID: 30668521). Advanced modeling of protein sequence and biophysical properties (such as structural, functional, and spatial information, amino acid conservation, physicochemical variation, residue mobility, and thermodynamic stability) performed at Invitae indicates that this missense variant is expected to disrupt CBX2 protein function with a positive predictive value of 80%. In summary, the available evidence is currently insufficient to determine the role of this variant in disease. Therefore, it has been classified as a Variant of Uncertain Significance.

Literature cited by the submitters: PubMed 30668521.